The following is an entry in ClinVar:

NM_032043.3(BRIP1):c.2987A>G (p.Gln996Arg)

Gene: BRIP1 (BRCA1 interacting DNA helicase 1; minus strand). Cytogenetic location: 17q23.2.
Variant type: single nucleotide variant.
Coding change: c.2987A>G on transcript NM_032043.3 (MANE Select); coding-DNA position 2987, A replaced by G.
Protein change: p.Gln996Arg; replaces glutamine 996 with arginine.
Molecular consequence: missense variant.
Genome position (GRCh38, 1-based): chr17:61,684,059, T>C on the plus strand (A>G on the coding strand, the complement: BRIP1 is on the minus strand). VCF-style: chr17-61684059-T-C. GRCh37 (hg19) VCF-style: chr17-59761420-T-C.
Other names: short protein forms Q996R.
Identifiers: ClinVar variation 655341 (VCV000655341.10), dbSNP rs1603275641, ClinGen allele CA400480074.

ClinVar aggregate classification (germline): Uncertain significance. Review status: criteria provided, multiple submitters, no conflicts (2 of 4 stars). 2 submissions from 2 submitters: Uncertain significance (2). Last evaluated 2025-12-30.

Conditions:
Fanconi anemia complementation group J. Also called: BRIP1-Related Fanconi Anemia. Identifiers: Orphanet 84, MedGen C1836860, MONDO:0012187, OMIM 609054.
Familial cancer of breast. Also called: hereditary breast carcinoma; Hereditary breast cancer; BREAST CANCER, FAMILIAL. Identifiers: Orphanet 227535, MedGen C0346153, MONDO:0016419, OMIM 114480. Disease mechanism: loss of function.
Hereditary cancer-predisposing syndrome. Also called: Neoplastic Syndromes, Hereditary; Hereditary neoplastic syndrome; Hereditary Cancer Syndrome; Tumor predisposition. Identifiers: Orphanet 140162, MedGen C0027672, MeSH D009386, MONDO:0015356.

Allele frequency attached by ClinVar (database versions not stated): TOPMed below 0.00001.

Submissions (2):

Labcorp Genetics (formerly Invitae), Labcorp
Classification: Uncertain significance for Familial cancer of breast; Fanconi anemia complementation group J. Last evaluated: 2025-12-30. Review status: criteria provided, single submitter. Criteria: Invitae Variant Classification Sherloc (09022015). Collection method: clinical testing. Allele origin: germline.
Comment: This sequence change replaces glutamine, which is neutral and polar, with arginine, which is basic and polar, at codon 996 of the BRIP1 protein (p.Gln996Arg). This variant is not present in population databases (gnomAD no frequency). This variant has not been reported in the literature in individuals affected with BRIP1-related conditions. ClinVar contains an entry for this variant (Variation ID: 655341). Invitae Evidence Modeling of protein sequence and biophysical properties (such as structural, functional, and spatial information, amino acid conservation, physicochemical variation, residue mobility, and thermodynamic stability) indicates that this missense variant is not expected to disrupt BRIP1 protein function with a negative predictive value of 95%. In summary, the available evidence is currently insufficient to determine the role of this variant in disease. Therefore, it has been classified as a Variant of Uncertain Significance.

Ambry Genetics
Classification: Uncertain significance for Hereditary cancer-predisposing syndrome. Last evaluated: 2023-10-13. Review status: criteria provided, single submitter. Criteria: Ambry Variant Classification Scheme 2023. Collection method: clinical testing. Allele origin: germline.
Comment: The p.Q996R variant (also known as c.2987A>G), located in coding exon 19 of the BRIP1 gene, results from an A to G substitution at nucleotide position 2987. The glutamine at codon 996 is replaced by arginine, an amino acid with highly similar properties. This amino acid position is conserved. In addition, this alteration is predicted to be tolerated by in silico analysis. Since supporting evidence is limited at this time, the clinical significance of this alteration remains unclear.